The following is an entry in ClinVar:

NM_005618.4(DLL1):c.1802_1804del (p.Asp601_Ile602delinsVal)

Gene: DLL1 (delta like canonical Notch ligand 1; minus strand). Cytogenetic location: 6q27.
Variant type: Deletion.
Coding change: c.1802_1804del on transcript NM_005618.4 (MANE Select); coding-DNA positions 1802 to 1804, 3 bases deleted (ACA; older notation c.1802_1804delACA).
Protein change: p.Asp601_Ile602delinsVal.
Molecular consequence: inframe indel.
Genome position (GRCh38, 1-based): chr6:170,283,475-170,283,477, TGT deleted on the plus strand (ACA on the coding strand, the reverse complement: DLL1 is on the minus strand). VCF-style (leftmost placement, unchanged base first): chr6-170283474-ATGT-A. GRCh37 (hg19) VCF-style: chr6-170592562-ATGT-A.
Other names: c.1802_1804del (NM_005618.3).
Identifiers: ClinVar variation 235089 (VCV000235089.37), dbSNP rs573197356, ClinGen allele CA4106719.

ClinVar aggregate classification (germline): Benign. Review status: criteria provided, multiple submitters, no conflicts (2 of 4 stars). 4 submissions from 4 submitters: Benign (2). 2 of the submissions do not count toward it. Last evaluated 2026-06-01.

Conditions:
DLL1-related disorder. Also called: DLL1-related condition.
Holoprosencephaly sequence (HPE). Also called: Holoprosencephaly. Identifiers: Orphanet 2162, MedGen C0079541, MONDO:0016296, HP:0001360.

Allele frequency attached by ClinVar (database versions not stated): ESP Exome Variant Server 0.00080; TOPMed 0.00087; 1000 Genomes Project 30x 0.00094; 1000 Genomes Project 0.00120; gnomAD exomes 0.00169 and 0.00267; ExAC 0.00253; gnomAD 0.00289 and 0.00301.

Submissions (4):

CeGaT Center for Human Genetics Tuebingen
Classification: Benign. Last evaluated: 2026-06-01. Review status: criteria provided, single submitter. Criteria: CeGaT Center For Human Genetics Tuebingen Variant Classification Criteria Version 2. Collection method: clinical testing. Allele origin: germline. Affected: yes. Observed: 17 variant alleles.
Comment: DLL1: PM4:Supporting, BS1, BS2

Labcorp Genetics (formerly Invitae), Labcorp
Classification: Benign. Last evaluated: 2026-01-21. Review status: criteria provided, single submitter. Criteria: Invitae Variant Classification Sherloc (09022015). Collection method: clinical testing. Allele origin: germline.

PreventionGenetics, part of Exact Sciences
Classification: Likely benign for DLL1-related condition. Last evaluated: 2020-05-18. Review status: no assertion criteria provided. Collection method: clinical testing. Allele origin: germline. Not counted in ClinVar's aggregate classification.
Comment: This variant is classified as likely benign based on ACMG/AMP sequence variant interpretation guidelines (Richards et al. 2015 PMID: 25741868, with internal and published modifications).

Laboratory of Molecular Genetics, CHU Rennes
Classification: Uncertain significance for holoprosencephaly. Last evaluated: 2016-04-13. Review status: no assertion criteria provided. Collection method: clinical testing. Allele origin: inherited. Affected: yes. Not counted in ClinVar's aggregate classification.